The following is an entry in ClinVar:

NM_012144.4(DNAI1):c.791G>A (p.Arg264Lys)

Gene: DNAI1 (dynein axonemal intermediate chain 1; plus strand). Cytogenetic location: 9p13.3.
Variant type: single nucleotide variant.
Coding change: c.791G>A on transcript NM_012144.4 (MANE Select); coding-DNA position 791, G replaced by A.
Protein change: p.Arg264Lys; replaces arginine 264 with lysine.
Molecular consequence: missense variant.
Genome position (GRCh38, 1-based): chr9:34,493,303, G>A. VCF-style: chr9-34493303-G-A. GRCh37 (hg19) VCF-style: chr9-34493301-G-A.
Other names: c.803G>A, p.Arg268Lys (NM_001281428.2); c.791G>A (NM_012144.2); short protein forms R264K, R268K.
Identifiers: ClinVar variation 969708 (VCV000969708.14), dbSNP rs755853256, ClinGen allele CA5034180.

ClinVar aggregate classification (germline): Uncertain significance. Review status: criteria provided, multiple submitters, no conflicts (2 of 4 stars). 3 submissions from 3 submitters: Uncertain significance (2). 1 of the submissions does not count toward it. Last evaluated 2025-06-09.

Conditions:
Primary ciliary dyskinesia. Also called: Ciliary dyskinesia. Identifiers: Orphanet 244, MedGen C0008780, MONDO:0016575, HP:0012265.

Allele frequency attached by ClinVar (database versions not stated): ExAC 0.00001; gnomAD 0.00001 and 0.00002; gnomAD exomes 0.00001 and 0.00002; TOPMed 0.00004.
gnomAD v4.1: 28 of 1,613,996 alleles (0.0017%); highest among the groups gnomAD compares: Admixed American, 0.0067%; no homozygotes.

Submissions (3):

Ambry Genetics
Classification: Uncertain significance for Primary ciliary dyskinesia. Last evaluated: 2025-06-09. Review status: criteria provided, single submitter. Criteria: Ambry Variant Classification Scheme 2023. Collection method: clinical testing. Allele origin: germline.
Comment: The p.R264K variant (also known as c.791G>A), located in coding exon 9 of the DNAI1 gene, results from a G to A substitution at nucleotide position 791. The arginine at codon 264 is replaced by lysine, an amino acid with highly similar properties. This amino acid position is not well conserved in available vertebrate species. In addition, this alteration is predicted to be tolerated by in silico analysis. Since supporting evidence is limited at this time, the clinical significance of this alteration remains unclear.

Labcorp Genetics (formerly Invitae), Labcorp
Classification: Uncertain significance for Primary ciliary dyskinesia. Last evaluated: 2024-04-10. Review status: criteria provided, single submitter. Criteria: Invitae Variant Classification Sherloc (09022015). Collection method: clinical testing. Allele origin: germline.
Comment: This sequence change replaces arginine, which is basic and polar, with lysine, which is basic and polar, at codon 264 of the DNAI1 protein (p.Arg264Lys). This variant is present in population databases (rs755853256, gnomAD 0.003%). This variant has not been reported in the literature in individuals affected with DNAI1-related conditions. ClinVar contains an entry for this variant (Variation ID: 969708). Advanced modeling of protein sequence and biophysical properties (such as structural, functional, and spatial information, amino acid conservation, physicochemical variation, residue mobility, and thermodynamic stability) performed at Invitae indicates that this missense variant is not expected to disrupt DNAI1 protein function with a negative predictive value of 95%. In summary, the available evidence is currently insufficient to determine the role of this variant in disease. Therefore, it has been classified as a Variant of Uncertain Significance.

Natera, Inc.
Classification: Uncertain significance for Primary ciliary dyskinesia. Last evaluated: 2020-10-14. Review status: no assertion criteria provided. Collection method: clinical testing. Allele origin: germline. Not counted in ClinVar's aggregate classification.